The following is an entry in ClinVar:

ClinVar aggregate classification (germline): Uncertain significance (1 of 4 stars; one submission).

Submission:

GeneDx
Classification: Uncertain significance. Last evaluated: 2022-02-02. Review status: criteria provided, single submitter. Criteria: GeneDx Variant Classification Process June 2021. Collection method: clinical testing. Allele origin: germline. Affected: yes.
Comment: Not observed at significant frequency in large population cohorts (gnomAD); In silico analysis supports that this missense variant has a deleterious effect on protein structure/function; Has not been previously published as pathogenic or benign to our knowledge

NM_001379451.1(BCORL1):c.4529A>T (p.Asp1510Val)

Gene: BCORL1 (BCL6 corepressor like 1; plus strand). Cytogenetic location: Xq26.1.
Variant type: single nucleotide variant.
Coding change: c.4529A>T on transcript NM_001379451.1 (MANE Select); coding-DNA position 4529, A replaced by T.
Protein change: p.Asp1510Val; replaces aspartic acid 1510 with valine.
Molecular consequence: missense variant.
Genome position (GRCh38, 1-based): chrX:130,037,368, A>T. VCF-style: chrX-130037368-A-T. GRCh37 (hg19) VCF-style: chrX-129171343-A-T.
Other names: c.4529A>T, p.Asp1510Val (NM_001184772.3, NM_001379450.1); c.4307A>T, p.Asp1436Val (NM_021946.5); short protein forms D1436V, D1510V.
Identifiers: ClinVar variation 1700448 (VCV001700448.2), dbSNP rs2124532302, ClinGen allele CA414555085.
Genomic context (GRCh38, chrX:130,037,368, plus strand): 5'-TTATATAAGTTCAAGAATTAGACCTCTCTTTGCTCATGGAGTTGTCCCTGTCCCCACAGG[A>T]TGTTGTTCTCTACTGCCTCCAGAAAGACAGTGAAGATGTGAATCACCGTGACAATGCTGG-3'
Protein context (NP_001366380.1, residues 1500-1520): LQRAARLGYK[Asp1510Val]VVLYCLQKDS